The following is an entry in ClinVar:

NM_177438.3(DICER1):c.359A>G (p.Lys120Arg)

Gene: DICER1 (dicer 1, ribonuclease III; minus strand). Cytogenetic location: 14q32.13.
Variant type: single nucleotide variant.
Coding change: c.359A>G on transcript NM_177438.3 (MANE Select); coding-DNA position 359, A replaced by G.
Protein change: p.Lys120Arg; replaces lysine 120 with arginine.
Molecular consequence: missense variant.
Genome position (GRCh38, 1-based): chr14:95,131,588, T>C on the plus strand (A>G on the coding strand, the complement: DICER1 is on the minus strand). VCF-style: chr14-95131588-T-C. GRCh37 (hg19) VCF-style: chr14-95597925-T-C.
Other names: c.359A>G, p.Lys120Arg (NM_001195573.1, NM_001271282.3, NM_001291628.2 and 1 more transcripts); short protein forms K120R.
Identifiers: ClinVar variation 1467087 (VCV001467087.7), dbSNP rs1060503608, ClinGen allele CA390889200.

ClinVar aggregate classification (germline): Uncertain significance (1 of 4 stars; one submission).

Conditions:
DICER1-related tumor predisposition. Also called: DICER1-related pleuropulmonary blastoma cancer predisposition syndrome; DICER1 syndrome. Identifiers: Orphanet 284343, MedGen C3839822, MONDO:0100216.

Submission:

Labcorp Genetics (formerly Invitae), Labcorp
Classification: Uncertain significance for DICER1-related tumor predisposition. Last evaluated: 2021-08-16. Review status: criteria provided, single submitter. Criteria: Invitae Variant Classification Sherloc (09022015). Collection method: clinical testing. Allele origin: germline.
Comment: This variant is not present in population databases (ExAC no frequency). This variant has not been reported in the literature in individuals affected with DICER1-related conditions. Algorithms developed to predict the effect of missense changes on protein structure and function (SIFT, PolyPhen-2, Align-GVGD) all suggest that this variant is likely to be tolerated. In summary, the available evidence is currently insufficient to determine the role of this variant in disease. Therefore, it has been classified as a Variant of Uncertain Significance. This sequence change replaces lysine with arginine at codon 120 of the DICER1 protein (p.Lys120Arg). The lysine residue is moderately conserved and there is a small physicochemical difference between lysine and arginine.